The following is an entry in ClinVar:

ClinVar aggregate classification (germline): Uncertain significance (1 of 4 stars; one submission).

Submission:

Labcorp Genetics (formerly Invitae), Labcorp
Classification: Uncertain significance. Last evaluated: 2024-06-13. Review status: criteria provided, single submitter. Criteria: Invitae Variant Classification Sherloc (09022015). Collection method: clinical testing. Allele origin: germline.
Comment: This sequence change replaces leucine, which is neutral and non-polar, with phenylalanine, which is neutral and non-polar, at codon 368 of the MSH3 protein (p.Leu368Phe). This variant is present in population databases (rs779579188, gnomAD 0.0009%). This variant has not been reported in the literature in individuals affected with MSH3-related conditions. An algorithm developed to predict the effect of missense changes on protein structure and function (PolyPhen-2) suggests that this variant is likely to be disruptive. Algorithms developed to predict the effect of sequence changes on RNA splicing suggest that this variant may disrupt the consensus splice site. In summary, the available evidence is currently insufficient to determine the role of this variant in disease. Therefore, it has been classified as a Variant of Uncertain Significance.

NM_002439.5(MSH3):c.1102C>T (p.Leu368Phe)

Gene: MSH3 (mutS homolog 3; plus strand). Cytogenetic location: 5q14.1.
Variant type: single nucleotide variant.
Coding change: c.1102C>T on transcript NM_002439.5 (MANE Select); coding-DNA position 1102, C replaced by T.
Protein change: p.Leu368Phe; replaces leucine 368 with phenylalanine.
Molecular consequence: missense variant.
Genome position (GRCh38, 1-based): chr5:80,675,057, C>T. VCF-style: chr5-80675057-C-T. GRCh37 (hg19) VCF-style: chr5-79970876-C-T.
Other names: short protein forms L368F.
Identifiers: ClinVar variation 3656549 (VCV003656549.2).